The following is an entry in ClinVar:

NM_001378454.1(ALMS1):c.9251del (p.Asn3084fs)

Gene: ALMS1 (ALMS1 centrosome and basal body associated protein; plus strand). Cytogenetic location: 2p13.1.
Variant type: Deletion.
Coding change: c.9251del on transcript NM_001378454.1 (MANE Select); coding-DNA position 9251, one base deleted (A; older notation c.9251delA).
Protein change: p.Asn3084fs; shifts the reading frame from asparagine 3084.
Molecular consequence: frameshift variant.
Genome position (GRCh38, 1-based): chr2:73,491,210, A deleted; the last of 2 consecutive A bases (chr2:73,491,209-73,491,210); deleting either gives the same sequence. VCF-style (leftmost placement, unchanged base first): chr2-73491208-TA-T. GRCh37 (hg19) VCF-style: chr2-73718335-TA-T.
Other names: c.9254del, p.Asn3085fs (NM_015120.4); short protein forms N3085fs, N3084fs.
Identifiers: ClinVar variation 801723 (VCV000801723.6), dbSNP rs1572970628, ClinGen allele CA915944025.

ClinVar aggregate classification (germline): Pathogenic. Review status: criteria provided, multiple submitters, no conflicts (2 of 4 stars). 3 submissions from 3 submitters: Pathogenic (3). Last evaluated 2024-04-29.

Conditions:
Alstrom syndrome (ALMS). Identifiers: Orphanet 64, MedGen C0268425, MONDO:0008763, OMIM 203800.

Submissions (3):

Laboratorio de Genetica e Diagnostico Molecular, Hospital Israelita Albert Einstein
Classification: Pathogenic for Alstrom syndrome. Last evaluated: 2024-04-29. Review status: criteria provided, single submitter. Criteria: ACMG Guidelines, 2015. Collection method: clinical testing. Allele origin: germline. Affected: yes.
Comment: ACMG classification criteria: PVS1 very strong, PM2 supporting, PM3 supporting

Labcorp Genetics (formerly Invitae), Labcorp
Classification: Pathogenic for Alstrom syndrome. Last evaluated: 2022-06-26. Review status: criteria provided, single submitter. Criteria: Invitae Variant Classification Sherloc (09022015). Collection method: clinical testing. Allele origin: germline.
Comment: This premature translational stop signal has been observed in individual(s) with Alström syndrome (PMID: 17594715). ClinVar contains an entry for this variant (Variation ID: 801723). For these reasons, this variant has been classified as Pathogenic. This variant is not present in population databases (gnomAD no frequency). This sequence change creates a premature translational stop signal (p.Asn3085Thrfs*19) in the ALMS1 gene. It is expected to result in an absent or disrupted protein product. Loss-of-function variants in ALMS1 are known to be pathogenic (PMID: 17594715).

Mendelics
Classification: Pathogenic for Alstrom syndrome. Last evaluated: 2019-05-28. Review status: criteria provided, single submitter. Criteria: Mendelics Assertion Criteria 2017. Collection method: clinical testing. Allele origin: unknown.

Literature cited by the submitters: PubMed 17594715 (cited by Labcorp Genetics (formerly Invitae), Labcorp).